The following is an entry in ClinVar:

ClinVar aggregate classification (germline): Uncertain significance (1 of 4 stars; one submission).

Conditions:
Kabuki syndrome. Also called: NIIKAWA-KUROKI SYNDROME; Kabuki make-up syndrome. Identifiers: Orphanet 2322, MedGen C0796004, MONDO:0016512.

Submission:

Labcorp Genetics (formerly Invitae), Labcorp
Classification: Uncertain significance for Kabuki syndrome. Last evaluated: 2024-10-28. Review status: criteria provided, single submitter. Criteria: Invitae Variant Classification Sherloc (09022015). Collection method: clinical testing. Allele origin: germline.
Comment: This sequence change replaces cysteine, which is neutral and slightly polar, with tyrosine, which is neutral and polar, at codon 1400 of the KMT2D protein (p.Cys1400Tyr). This variant is not present in population databases (gnomAD no frequency). This variant has not been reported in the literature in individuals affected with KMT2D-related conditions. Invitae Evidence Modeling of protein sequence and biophysical properties (such as structural, functional, and spatial information, amino acid conservation, physicochemical variation, residue mobility, and thermodynamic stability) indicates that this missense variant is expected to disrupt KMT2D protein function with a positive predictive value of 95%. In summary, the available evidence is currently insufficient to determine the role of this variant in disease. Therefore, it has been classified as a Variant of Uncertain Significance.

NM_003482.4(KMT2D):c.4199G>A (p.Cys1400Tyr)

Gene: KMT2D (lysine methyltransferase 2D; minus strand). Cytogenetic location: 12q13.12.
Variant type: single nucleotide variant.
Coding change: c.4199G>A on transcript NM_003482.4 (MANE Select); coding-DNA position 4199, G replaced by A.
Protein change: p.Cys1400Tyr; replaces cysteine 1400 with tyrosine.
Molecular consequence: missense variant.
Genome position (GRCh38, 1-based): chr12:49,048,002, C>T on the plus strand (G>A on the coding strand, the complement: KMT2D is on the minus strand). VCF-style: chr12-49048002-C-T. GRCh37 (hg19) VCF-style: chr12-49441785-C-T.
Other names: short protein forms C1400Y.
Identifiers: ClinVar variation 3635157 (VCV003635157.2).